The following is an entry in ClinVar:

NM_001369.3(DNAH5):c.1643A>C (p.His548Pro)

Gene: DNAH5 (dynein axonemal heavy chain 5; minus strand). Cytogenetic location: 5p15.2.
Variant type: single nucleotide variant.
Coding change: c.1643A>C on transcript NM_001369.3 (MANE Select); coding-DNA position 1643, A replaced by C.
Protein change: p.His548Pro; replaces histidine 548 with proline.
Molecular consequence: missense variant.
Genome position (GRCh38, 1-based): chr5:13,911,387, T>G on the plus strand (A>C on the coding strand, the complement: DNAH5 is on the minus strand). VCF-style: chr5-13911387-T-G. GRCh37 (hg19) VCF-style: chr5-13911496-T-G.
Other names: short protein forms H548P.
Identifiers: ClinVar variation 1978163 (VCV001978163.5), dbSNP rs2547119839, ClinGen allele CA359211553.
Genomic context (GRCh38, chr5:13,911,387, plus strand): 5'-ATACAGAAAGGAAAAAATAAACACACGACTGTCAACAGGAATTTTATTATACAACCTACA[T>G]GAAGGTCATTAGTCTGCTTGCAAAACTCTTCGTAATCTTGGTCAAAATCCATTTTCCGCT-3'
Protein context (NP_001360.1, residues 538-558): EEFCKQTNDL[His548Pro]NELRKFMDVT

ClinVar aggregate classification (germline): Uncertain significance (1 of 4 stars; one submission).

Conditions:
Primary ciliary dyskinesia. Also called: Ciliary dyskinesia. Identifiers: Orphanet 244, MedGen C0008780, MONDO:0016575, HP:0012265.

Submission:

Labcorp Genetics (formerly Invitae), Labcorp
Classification: Uncertain significance for Primary ciliary dyskinesia. Last evaluated: 2022-07-19. Review status: criteria provided, single submitter. Criteria: Invitae Variant Classification Sherloc (09022015). Collection method: clinical testing. Allele origin: germline.
Comment: In summary, the available evidence is currently insufficient to determine the role of this variant in disease. Therefore, it has been classified as a Variant of Uncertain Significance. This sequence change replaces histidine, which is basic and polar, with proline, which is neutral and non-polar, at codon 548 of the DNAH5 protein (p.His548Pro). This variant is not present in population databases (gnomAD no frequency). This variant has not been reported in the literature in individuals affected with DNAH5-related conditions. Algorithms developed to predict the effect of missense changes on protein structure and function are either unavailable or do not agree on the potential impact of this missense change (SIFT: "Deleterious"; PolyPhen-2: "Possibly Damaging"; Align-GVGD: "Class C0").